The following is an entry in ClinVar:

ClinVar aggregate classification (germline): Likely benign (1 of 4 stars; one submission).

gnomAD v4.1: 13 of 296,455 alleles (0.0044%); highest among the groups gnomAD compares: Non-Finnish European, 0.0065%; no homozygotes.

Submission:

CeGaT Center for Human Genetics Tuebingen
Classification: Likely benign. Last evaluated: 2025-06-01. Review status: criteria provided, single submitter. Criteria: CeGaT Center For Human Genetics Tuebingen Variant Classification Criteria Version 2. Collection method: clinical testing. Allele origin: germline. Affected: yes. Observed: 1 variant allele.
Comment: CENPVL3: PP3, BS2

NM_001355276.2(CENPVL3):c.168A>T (p.Gly56=)

Gene: CENPVL3 (centromere protein V like 3; minus strand). Cytogenetic location: Xp11.22.
Variant type: single nucleotide variant.
Coding change: c.168A>T on transcript NM_001355276.2 (MANE Select); coding-DNA position 168, A replaced by T.
Protein change: p.Gly56=; no amino-acid change (glycine 56 retained).
Molecular consequence: synonymous variant.
Genome position (GRCh38, 1-based): chrX:51,618,706, T>A on the plus strand (A>T on the coding strand, the complement: CENPVL3 is on the minus strand). VCF-style: chrX-51618706-T-A. GRCh37 (hg19) VCF-style: chrX-51361558-T-A.
Identifiers: ClinVar variation 3905425 (VCV003905425.10).
Genomic context (GRCh38, chrX:51,618,706, plus strand): 5'-CAGCGGATCTCTGGAGCCCGCCTCCCGGGCCCGCCGCCACCGGCGCTTCCGCCGCAACTT[T>A]CCCAGCCACCTCTTGGCCGCCGCGTGGCTCCCGACCCCGACTTGGACCCGGGGGCACTGC-3'
Protein context (NP_001342205.2, residues 46-66): GSHAAAKRWL[Gly56=]KLRRKRRWRR